The following is an entry in ClinVar:

ClinVar aggregate classification (germline): Likely pathogenic (1 of 4 stars; one submission).

Conditions:
Cortical dysplasia-focal epilepsy syndrome (PTHSL1). Also called: Pitt-Hopkins-like syndrome 1. Identifiers: Orphanet 163681, Orphanet 221150, MedGen C2750246, MONDO:0012400, OMIM 610042.

Submission:

Labcorp Genetics (formerly Invitae), Labcorp
Classification: Likely pathogenic for Cortical dysplasia-focal epilepsy syndrome. Last evaluated: 2023-02-22. Review status: criteria provided, single submitter. Criteria: Invitae Variant Classification Sherloc (09022015). Collection method: clinical testing. Allele origin: unknown.
Comment: This variant results in a copy number gain of the genomic region encompassing exon(s) 11-12 of the CNTNAP2 gene. While the exact position of this variant cannot be determined from the data, sub-genic copy number gains are generally in tandem (PMID: 25640679). This variant is predicted to be out-of-frame, and may result in an absent or disrupted protein product. Loss-of-function variants in CNTNAP2 are known to be pathogenic (PMID: 19896112, 21827697, 25045150, 26843181, 27439707). This variant has not been reported in the literature in individuals affected with CNTNAP2-related conditions. In summary, the currently available evidence indicates that the variant is pathogenic, but additional data are needed to prove that conclusively. Therefore, this variant has been classified as Likely Pathogenic.

Literature cited by the submitters: PubMed 25640679; PubMed 19896112; PubMed 21827697; PubMed 25045150; PubMed 26843181; PubMed 27439707.

NC_000007.13:g.(?_147183007)_(147259369_?)dup

Gene: CNTNAP2 (contactin associated protein 2; plus strand). Cytogenetic location: 7q35.
Variant type: Duplication.
Identifiers: ClinVar variation 3245766 (VCV003245766.1).